The following is an entry in ClinVar:

ClinVar aggregate classification (germline): Pathogenic. Review status: criteria provided, multiple submitters, no conflicts (2 of 4 stars). 4 submissions from 4 submitters: Pathogenic (4). Last evaluated 2025-11-11.

Conditions:
Hereditary diffuse gastric adenocarcinoma (HDGC). Also called: DIFFUSE GASTRIC AND LOBULAR BREAST CANCER SYNDROME. Identifiers: Orphanet 26106, MedGen C1708349, MONDO:0007648, OMIM 137215.
CDH1-related disorder. Also called: CDH1-related condition.
Hereditary cancer-predisposing syndrome. Also called: Hereditary Cancer Syndrome; Hereditary neoplastic syndrome; Tumor predisposition; Neoplastic Syndromes, Hereditary. Identifiers: Orphanet 140162, MedGen C0027672, MeSH D009386, MONDO:0015356.

Submissions (4):

Myriad Genetics, Inc.
Classification: Pathogenic for Hereditary diffuse gastric adenocarcinoma. Last evaluated: 2025-11-11. Review status: criteria provided, single submitter. Criteria: Myriad Autosomal Dominant, Autosomal Recessive and X-Linked Classification Criteria (2023). Collection method: clinical testing. Allele origin: unknown.
Comment: This variant is considered pathogenic. This variant creates a frameshift predicted to result in premature protein truncation.

Ambry Genetics
Classification: Pathogenic for Hereditary cancer-predisposing syndrome. Last evaluated: 2024-02-20. Review status: criteria provided, single submitter. Criteria: Ambry Variant Classification Scheme 2023. Collection method: clinical testing. Allele origin: germline.
Comment: The c.1849_1856delGCAGACCT pathogenic mutation, located in coding exon 12 of the CDH1 gene, results from a deletion of 8 nucleotides at nucleotide positions 1849 to 1856, causing a translational frameshift with a predicted alternate stop codon (p.A617Sfs*43). This variant is considered to be rare based on population cohorts in the Genome Aggregation Database (gnomAD). This alteration is expected to result in loss of function by premature protein truncation or nonsense-mediated mRNA decay. As such, this alteration is interpreted as a disease-causing mutation.

PreventionGenetics, part of Exact Sciences
Classification: Pathogenic for CDH1-related condition. Last evaluated: 2023-08-01. Review status: criteria provided, single submitter. Criteria: ACMG Guidelines, 2015. Collection method: clinical testing. Allele origin: germline.
Comment: The CDH1 c.1849_1856del8 variant is predicted to result in a frameshift and premature protein termination (p.Ala617Serfs*43). To our knowledge, this variant has not been reported in the literature or in a large population database, indicating this variant is rare. It is interpreted as pathogenic in ClinVar. Frameshift variants in CDH1 are expected to be pathogenic. This variant is interpreted as pathogenic.

Labcorp Genetics (formerly Invitae), Labcorp
Classification: Pathogenic for Hereditary diffuse gastric adenocarcinoma. Last evaluated: 2023-05-23. Review status: criteria provided, single submitter. Criteria: Invitae Variant Classification Sherloc (09022015). Collection method: clinical testing. Allele origin: germline.
Comment: This variant has not been reported in the literature in individuals affected with CDH1-related conditions. This variant is not present in population databases (gnomAD no frequency). This sequence change creates a premature translational stop signal (p.Ala617Serfs*43) in the CDH1 gene. It is expected to result in an absent or disrupted protein product. Loss-of-function variants in CDH1 are known to be pathogenic (PMID: 15235021, 20373070). ClinVar contains an entry for this variant (Variation ID: 1455269). For these reasons, this variant has been classified as Pathogenic.

Literature cited by the submitters: PubMed 15235021 (cited by Labcorp Genetics (formerly Invitae), Labcorp); PubMed 20373070 (cited by Labcorp Genetics (formerly Invitae), Labcorp).

NM_004360.5(CDH1):c.1849_1856del (p.Ala617fs)

Gene: CDH1 (cadherin 1; plus strand). Cytogenetic location: 16q22.1.
Variant type: Deletion.
Coding change: c.1849_1856del on transcript NM_004360.5 (MANE Select); coding-DNA positions 1849 to 1856, 8 bases deleted (GCAGACCT; older notation c.1849_1856delGCAGACCT).
Protein change: p.Ala617fs; shifts the reading frame from alanine 617.
Molecular consequence: frameshift variant. On other transcripts: 5 prime UTR variant (1).
Genome position (GRCh38, 1-based): chr16:68,822,138-68,822,145, GCAGACCT deleted; deleting any 8 consecutive bases within chr16:68,822,137-68,822,145 gives the same sequence; the c. name uses the placement nearest the transcript's 3' end. VCF-style (leftmost placement, unchanged base first): chr16-68822136-ATGCAGACC-A. GRCh37 (hg19) VCF-style: chr16-68856039-ATGCAGACC-A.
Other names: c.1849_1856del8 (NM_004360.4); c.1849_1856delGCAGACCT (NM_004360.3); c.1666_1673del, p.Ala556fs (NM_001317184.2); c.301_308del, p.Ala101fs (NM_001317185.2); c.-117_-110del (NM_001317186.2); short protein forms A101fs, A617fs, A556fs.
Identifiers: ClinVar variation 1455269 (VCV001455269.9), dbSNP rs2152138436, ClinGen allele CA2573152610.
Genomic context (GRCh38, chr16:68,822,136, plus strand): 5'-AACCTCGAACTATATTCTTCTGTGAGAGGAATCCAAAGCCTCAGGTCATAAACATCATTG[ATGCAGACC>A]TTCCTCCCAATACATCTCCCTTCACAGCAGAACTAACACACGGGGCGAGTGCCAACTGGA-3'